The following is an entry in ClinVar:

ClinVar aggregate classification (germline): Likely benign (0 of 4 stars; one submission).

Conditions:
PROC-related disorder. Also called: PROC-related condition.

Allele frequency attached by ClinVar (database versions not stated): gnomAD 0.00001; TOPMed 0.00001; gnomAD exomes 0.00003; ExAC 0.00004.
gnomAD v4.1: 20 of 1,612,202 alleles (0.0012%); highest among the groups gnomAD compares: Admixed American, 0.033%; no homozygotes.

Submission:

PreventionGenetics, part of Exact Sciences
Classification: Likely benign for PROC-related condition. Last evaluated: 2020-02-19. Review status: no assertion criteria provided. Collection method: clinical testing. Allele origin: germline.
Comment: This variant is classified as likely benign based on ACMG/AMP sequence variant interpretation guidelines (Richards et al. 2015 PMID: 25741868, with internal and published modifications).

NM_000312.4(PROC):c.288C>T (p.Pro96=)

Gene: PROC (protein C, inactivator of coagulation factors Va and VIIIa; plus strand). Cytogenetic location: 2q14.3.
Variant type: single nucleotide variant.
Coding change: c.288C>T on transcript NM_000312.4 (MANE Select); coding-DNA position 288, C replaced by T.
Protein change: p.Pro96=; no amino-acid change (proline 96 retained).
Molecular consequence: synonymous variant. On other transcripts: missense variant (1).
Genome position (GRCh38, 1-based): chr2:127,423,059, C>T. VCF-style: chr2-127423059-C-T. GRCh37 (hg19) VCF-style: chr2-128180635-C-T.
Other names: c.471C>T, p.Pro157= (NM_001375602.1); c.351C>T, p.Pro117= (NM_001375603.1, NM_001375604.1); c.288C>T, p.Pro96= (NM_001375605.1, NM_001375608.1, NM_001375611.1 and 1 more transcripts); c.443C>T, p.Pro148Leu (NM_001375606.1); c.372C>T, p.Pro124= (NM_001375607.1); c.264C>T, p.Pro88= (NM_001375609.1); c.282C>T, p.Pro94= (NM_001375610.1); short protein forms P148L.
Identifiers: ClinVar variation 3050939 (VCV003050939.2), dbSNP rs760374869, ClinGen allele CA1859310.